The following is an entry in ClinVar:

NM_001177316.2(SLC34A3):c.1462G>C (p.Ala488Pro)

Gene: SLC34A3 (solute carrier family 34 member 3; plus strand). Cytogenetic location: 9q34.3.
Variant type: single nucleotide variant.
Coding change: c.1462G>C on transcript NM_001177316.2 (MANE Select); coding-DNA position 1462, G replaced by C.
Protein change: p.Ala488Pro; replaces alanine 488 with proline.
Molecular consequence: missense variant.
Genome position (GRCh38, 1-based): chr9:137,236,078, G>C. VCF-style: chr9-137236078-G-C. GRCh37 (hg19) VCF-style: chr9-140130530-G-C.
Other names: c.1462G>C, p.Ala488Pro (NM_001177317.2, NM_080877.3); short protein forms A488P.
Identifiers: ClinVar variation 862960 (VCV000862960.10), dbSNP rs149389629, ClinGen allele CA5364957.

ClinVar aggregate classification (germline): Uncertain significance. Review status: criteria provided, multiple submitters, no conflicts (2 of 4 stars). 5 submissions from 5 submitters: Uncertain significance (5). Last evaluated 2026-05-19.

Conditions:
SLC34A3-related disorder. Also called: SLC34A3-related condition.
Autosomal recessive hypophosphatemic bone disease (HHRH). Also called: HYPERCALCIURIC RICKETS; Hypophosphatemic rickets with hypercalciuria. Identifiers: Orphanet 157215, MedGen C1853271, MONDO:0009431, OMIM 241530.

Allele frequency attached by ClinVar (database versions not stated): gnomAD exomes 0.00009; TOPMed 0.00013; ESP Exome Variant Server 0.00039.

Submissions (5):

PreventionGenetics, part of Exact Sciences
Classification: Uncertain significance for SLC34A3-related condition. Last evaluated: 2026-05-19. Review status: criteria provided, single submitter. Criteria: ACMG Guidelines, 2015. Collection method: clinical testing. Allele origin: germline.
Comment: The SLC34A3 c.1462G>C variant is predicted to result in the amino acid substitution p.Ala488Pro. This variant was reported along with a variant impacting splicing in an individual with hypersensitivity to vitamin D (Table S1, Molin et al. 2021. PubMed ID: 34721296). This variant is reported in 0.024% of alleles in individuals of European (Non-Finnish) descent in gnomAD. At this time, the clinical significance of this variant is uncertain due to the absence of conclusive functional and genetic evidence.

Labcorp Genetics (formerly Invitae), Labcorp
Classification: Uncertain significance. Last evaluated: 2024-10-29. Review status: criteria provided, single submitter. Criteria: Invitae Variant Classification Sherloc (09022015). Collection method: clinical testing. Allele origin: germline.
Comment: This sequence change replaces alanine, which is neutral and non-polar, with proline, which is neutral and non-polar, at codon 488 of the SLC34A3 protein (p.Ala488Pro). This variant is present in population databases (rs149389629, gnomAD 0.02%). This missense change has been observed in individual(s) with clinical features of SLC34A3-related conditions (PMID: 34721296). ClinVar contains an entry for this variant (Variation ID: 862960). Invitae Evidence Modeling of protein sequence and biophysical properties (such as structural, functional, and spatial information, amino acid conservation, physicochemical variation, residue mobility, and thermodynamic stability) indicates that this missense variant is not expected to disrupt SLC34A3 protein function with a negative predictive value of 80%. In summary, the available evidence is currently insufficient to determine the role of this variant in disease. Therefore, it has been classified as a Variant of Uncertain Significance.

Blueprint Genetics
Classification: Uncertain significance. Last evaluated: 2024-09-22. Review status: criteria provided, single submitter. Criteria: ACMG Guidelines, 2015. Collection method: clinical testing. Allele origin: germline.

MVZ Medizinische Genetik Mainz
Classification: Uncertain significance for Autosomal recessive hypophosphatemic bone disease. Last evaluated: 2023-09-27. Review status: criteria provided, single submitter. Criteria: UK Practice Guidelines For Variant Classification V4 01 2020. Collection method: clinical testing. Allele origin: germline. Inheritance: Autosomal recessive inheritance. Affected: yes. Observed: 1 variant allele.
Comment: ACMG Criteria: PM3,PM2_SUP,PP4

Fulgent Genetics
Classification: Uncertain significance for Autosomal recessive hypophosphatemic bone disease. Last evaluated: 2022-03-10. Review status: criteria provided, single submitter. Criteria: ACMG Guidelines, 2015. Collection method: clinical testing. Allele origin: unknown.

Literature cited by the submitters: PubMed 34721296 (cited by Labcorp Genetics (formerly Invitae), Labcorp).